The following is an entry in ClinVar:

ClinVar aggregate classification (germline): Uncertain significance. Review status: criteria provided, multiple submitters, no conflicts (2 of 4 stars). 2 submissions from 2 submitters: Uncertain significance (2). Last evaluated 2025-11-05.

Conditions:
Arrhythmogenic right ventricular dysplasia 9 (ARVD9). Also called: ARRHYTHMOGENIC RIGHT VENTRICULAR DYSPLASIA, FAMILIAL, 9; Arrhythmogenic Right Ventricular Dysplasia/Cardiomyopathy 9. Identifiers: MedGen C1836906, MONDO:0012180, OMIM 609040.
Cardiomyopathy (CMYO). Also called: Cardiomyopathies. Identifiers: Orphanet 167848, MedGen C0878544, MONDO:0004994, HP:0001638. Inheritance: Various modes of inheritance.

Allele frequency attached by ClinVar (database versions not stated): gnomAD exomes below 0.00001; ExAC 0.00001.
gnomAD v4.1: 1 of 1,614,022 alleles (0.000062%); highest among the groups gnomAD compares: Admixed American, 0.0017%; no homozygotes.

Submissions (2):

Color Diagnostics, LLC DBA Color Health
Classification: Uncertain significance for Cardiomyopathy. Last evaluated: 2025-11-05. Review status: criteria provided, single submitter. Criteria: ACMG Guidelines, 2015. Collection method: clinical testing. Allele origin: germline.
Comment: This missense variant replaces asparagine with threonine at codon 869 of the PKP2 protein. Computational prediction suggests that this variant may not impact protein structure and function. To our knowledge, functional studies have not been reported for this variant. This variant has not been reported in individuals affected with PKP2-related disorders in the literature. This variant has been identified in 1/1614022 chromosomes in the general population by the Genome Aggregation Database (gnomAD). The available evidence is insufficient to determine the role of this variant in disease conclusively. Therefore, this variant is classified as a Variant of Uncertain Significance.

Labcorp Genetics (formerly Invitae), Labcorp
Classification: Uncertain significance for Arrhythmogenic right ventricular dysplasia 9. Last evaluated: 2024-01-10. Review status: criteria provided, single submitter. Criteria: Invitae Variant Classification Sherloc (09022015). Collection method: clinical testing. Allele origin: germline.
Comment: This sequence change replaces asparagine, which is neutral and polar, with threonine, which is neutral and polar, at codon 869 of the PKP2 protein (p.Asn869Thr). This variant is present in population databases (rs764733489, gnomAD 0.003%). This variant has not been reported in the literature in individuals affected with PKP2-related conditions. An algorithm developed to predict the effect of missense changes on protein structure and function (PolyPhen-2) suggests that this variant is likely to be disruptive. In summary, the available evidence is currently insufficient to determine the role of this variant in disease. Therefore, it has been classified as a Variant of Uncertain Significance.

NM_001005242.3(PKP2):c.2474A>C (p.Asn825Thr)

Gene: PKP2 (plakophilin 2; minus strand). Cytogenetic location: 12p11.21.
Variant type: single nucleotide variant.
Coding change: c.2474A>C on transcript NM_001005242.3 (MANE Select); coding-DNA position 2474, A replaced by C.
Protein change: p.Asn825Thr; replaces asparagine 825 with threonine.
Molecular consequence: missense variant.
Genome position (GRCh38, 1-based): chr12:32,792,464, T>G on the plus strand (A>C on the coding strand, the complement: PKP2 is on the minus strand). VCF-style: chr12-32792464-T-G. GRCh37 (hg19) VCF-style: chr12-32945398-T-G.
Other names: c.2284A>C, p.Thr762Pro (NM_001407155.1); c.2309A>C, p.Asn770Thr (NM_001407156.1); c.2147A>C, p.Asn716Thr (NM_001407158.1, NM_001407159.1); c.1957A>C, p.Thr653Pro (NM_001407160.1); c.2606A>C, p.Asn869Thr (NM_004572.4); short protein forms N869T, N770T, N825T, T653P, N716T, T762P.
Identifiers: ClinVar variation 2791226 (VCV002791226.4), dbSNP rs764733489, ClinGen allele CA036264.